The following is an entry in ClinVar:

NM_000235.4(LIPA):c.804del (p.Asn268fs)

Gene: LIPA (lipase A, lysosomal acid type; minus strand). Cytogenetic location: 10q23.31.
Variant type: Deletion.
Coding change: c.804del on transcript NM_000235.4 (MANE Select); coding-DNA position 804, one base deleted (T; older notation c.804delT).
Protein change: p.Asn268fs; shifts the reading frame from asparagine 268.
Molecular consequence: frameshift variant.
Genome position (GRCh38, 1-based): chr10:89,223,702, A deleted on the plus strand (T on the coding strand, the reverse complement: LIPA is on the minus strand). VCF-style (leftmost placement, unchanged base first): chr10-89223701-CA-C. GRCh37 (hg19) VCF-style: chr10-90983458-CA-C.
Other names: c.804del, p.Asn268fs (NM_001127605.3); c.456del, p.Asn152fs (NM_001288979.2); short protein forms N268fs, N152fs.
Identifiers: ClinVar variation 842105 (VCV000842105.9), dbSNP rs1410809018, ClinGen allele CA594955465.
Genomic context (GRCh38, chr10:89,223,701, plus strand): 5'-ACAGATAAAAAAAAAAATCAAATCTTACTATAAACATGCATACCATATTTAAATTTCTCT[CA>C]TTAAATCCACACAGAAGAAAACAGAGATTTCCACAGAGCTCCTTCAGTATGACATGAGTG-3'

ClinVar aggregate classification (germline): Pathogenic/Likely pathogenic. Review status: criteria provided, multiple submitters, no conflicts (2 of 4 stars). 2 submissions from 2 submitters: Pathogenic (1); Likely pathogenic (1). Last evaluated 2024-06-19.

Conditions:
Cholesteryl ester storage disease (CESD). Also called: Childhood/Adult-Onset LAL-D (Cholesterol Ester Storage Disease [CESD]). Identifiers: Orphanet 75234, MedGen C0008384, MONDO:0019149, OMIM 278000.
Wolman disease (WOLD). Also called: Acid cholesteryl ester hydrolase deficiency, Wolman type; Acid lipase disease; Wolman disease, CESD; LYSOSOMAL ACID LIPASE DEFICIENCY, ACUTE INFANTILE; LYSOSOMAL ACID LIPASE DEFICIENCY, COMPLETE; LIPA DEFICIENCY, COMPLETE. Identifiers: Orphanet 75233, MedGen C0043208, MONDO:0019148, OMIM 620151.

Allele frequency attached by ClinVar (database versions not stated): gnomAD exomes below 0.00001.

Submissions (2):

Fulgent Genetics
Classification: Likely pathogenic for Cholesteryl ester storage disease; Wolman disease. Last evaluated: 2024-06-19. Review status: criteria provided, single submitter. Criteria: ACMG Guidelines, 2015. Collection method: clinical testing. Allele origin: germline.

Labcorp Genetics (formerly Invitae), Labcorp
Classification: Pathogenic for Wolman disease. Last evaluated: 2021-06-15. Review status: criteria provided, single submitter. Criteria: Invitae Variant Classification Sherloc (09022015). Collection method: clinical testing. Allele origin: germline.
Comment: This sequence change creates a premature translational stop signal (p.Asn268Lysfs*5) in the LIPA gene. It is expected to result in an absent or disrupted protein product. Loss-of-function variants in LIPA are known to be pathogenic (PMID: 23485521). This variant is not present in population databases (ExAC no frequency). This variant has not been reported in the literature in individuals with LIPA-related conditions. ClinVar contains an entry for this variant (Variation ID: 842105). Algorithms developed to predict the effect of sequence changes on RNA splicing suggest that this variant may create or strengthen a splice site, but this prediction has not been confirmed by published transcriptional studies. For these reasons, this variant has been classified as Pathogenic.

Literature cited by the submitters: PubMed 23485521 (cited by Labcorp Genetics (formerly Invitae), Labcorp).